The following is an entry in ClinVar:

NM_000088.4(COL1A1):c.1015C>A (p.Pro339Thr)

Gene: COL1A1 (collagen type I alpha 1 chain; minus strand). Cytogenetic location: 17q21.33.
Variant type: single nucleotide variant.
Coding change: c.1015C>A on transcript NM_000088.4 (MANE Select); coding-DNA position 1015, C replaced by A.
Protein change: p.Pro339Thr; replaces proline 339 with threonine.
Molecular consequence: missense variant.
Genome position (GRCh38, 1-based): chr17:50,195,964, G>T on the plus strand (C>A on the coding strand, the complement: COL1A1 is on the minus strand). VCF-style: chr17-50195964-G-T. GRCh37 (hg19) VCF-style: chr17-48273325-G-T.
Other names: short protein forms P339T.
Identifiers: ClinVar variation 3634730 (VCV003634730.2).

ClinVar aggregate classification (germline): Uncertain significance (1 of 4 stars; one submission).

Conditions:
Osteogenesis imperfecta type I (OI1). Also called: Lobstein's Disease; Lobstein disease; Classic Non-deforming Osteogenesis Imperfecta with Blue Sclerae; OI, TYPE I; OSTEOGENESIS IMPERFECTA TARDA; OSTEOGENESIS IMPERFECTA WITH BLUE SCLERAE. Identifiers: Orphanet 216796, Orphanet 666, MedGen C0023931, MONDO:0008146, OMIM 166200. Disease mechanism: loss of function.

Submission:

Labcorp Genetics (formerly Invitae), Labcorp
Classification: Uncertain significance for Osteogenesis imperfecta type I. Last evaluated: 2024-03-01. Review status: criteria provided, single submitter. Criteria: Invitae Variant Classification Sherloc (09022015). Collection method: clinical testing. Allele origin: germline.
Comment: This sequence change replaces proline, which is neutral and non-polar, with threonine, which is neutral and polar, at codon 339 of the COL1A1 protein (p.Pro339Thr). This variant is not present in population databases (gnomAD no frequency). This variant has not been reported in the literature in individuals affected with COL1A1-related conditions. Advanced modeling of protein sequence and biophysical properties (such as structural, functional, and spatial information, amino acid conservation, physicochemical variation, residue mobility, and thermodynamic stability) has been performed at Invitae for this missense variant, however the output from this modeling did not meet the statistical confidence thresholds required to predict the impact of this variant on COL1A1 protein function. In summary, the available evidence is currently insufficient to determine the role of this variant in disease. Therefore, it has been classified as a Variant of Uncertain Significance.